The following is an entry in ClinVar:

ClinVar aggregate classification (germline): Conflicting classifications of pathogenicity. Review status: criteria provided, conflicting classifications (1 of 4 stars). 3 submissions from 3 submitters: Uncertain significance (1); Likely benign (2). Last evaluated 2025-03-13.

Conditions:
Intellectual disability, autosomal recessive 53 (NEDHSCA). Also called: GLYCOSYLPHOSPHATIDYLINOSITOL BIOSYNTHESIS DEFECT 13; Mental retardation, autosomal recessive 53; NEURODEVELOPMENTAL DISORDER WITH OR WITHOUT HYPOTONIA, SEIZURES, AND CEREBELLAR ATROPHY. Identifiers: Orphanet 488635, MedGen C4310794, MONDO:0014832, OMIM 616917.

gnomAD v4.1: 150 of 1,614,060 alleles (0.0093%); highest among the groups gnomAD compares: Non-Finnish European, 0.012%; no homozygotes.

Submissions (3):

GeneDx
Classification: Uncertain significance. Last evaluated: 2025-03-13. Review status: criteria provided, single submitter. Criteria: GeneDx Variant Classification Process June 2021. Collection method: clinical testing. Allele origin: germline.
Comment: Not observed at significant frequency in large population cohorts (gnomAD); Has not been previously published as pathogenic or benign to our knowledge; In silico analysis suggests this variant may impact gene splicing. In the absence of RNA/functional studies, the actual effect of this sequence change is unknown.

Labcorp Genetics (formerly Invitae), Labcorp
Classification: Likely benign for Intellectual disability, autosomal recessive 53. Last evaluated: 2025-01-27. Review status: criteria provided, single submitter. Criteria: Invitae Variant Classification Sherloc (09022015). Collection method: clinical testing. Allele origin: germline.

Blueprint Genetics
Classification: Likely benign. Last evaluated: 2023-04-24. Review status: criteria provided, single submitter. Criteria: ACMG Guidelines, 2015. Collection method: clinical testing. Allele origin: germline.

NM_001127178.3(PIGG):c.678G>T (p.Gly226=)

Gene: PIGG (phosphatidylinositol glycan anchor biosynthesis class G (EMM blood group); plus strand). Cytogenetic location: 4p16.3.
Variant type: single nucleotide variant.
Coding change: c.678G>T on transcript NM_001127178.3 (MANE Select); coding-DNA position 678, G replaced by T.
Protein change: p.Gly226=; no amino-acid change (glycine 226 retained).
Molecular consequence: synonymous variant. On other transcripts: 5 prime UTR variant (4), non-coding transcript variant (10), intron variant (1).
Genome position (GRCh38, 1-based): chr4:507,512, G>T. VCF-style: chr4-507512-G-T. GRCh37 (hg19) VCF-style: chr4-501301-G-T.
Other names: c.678G>T (NM_001127178.2); c.411G>T, p.Gly137= (NM_001289051.2, NM_001289053.2, NM_001289057.2 and 2 more transcripts); c.312G>T, p.Gly104= (NM_001289055.2); c.-210G>T (NM_001345988.2); c.678G>T, p.Gly226= (NM_001345989.2, NM_017733.5); c.-948G>T (NM_001345990.2); c.-810G>T (NM_001345991.2); c.-535G>T (NM_001345994.2); and 1 more.
Identifiers: ClinVar variation 1454110 (VCV001454110.11), dbSNP rs748676621, ClinGen allele CA2793055.